The following is an entry in ClinVar:

ClinVar aggregate classification (germline): Benign/Likely benign. Review status: criteria provided, multiple submitters, no conflicts (2 of 4 stars). 7 submissions from 7 submitters: Benign (5); Likely benign (1). 1 of the submissions does not count toward it. Last evaluated 2026-07-01.

Conditions:
ASXL3-related disorder. Also called: ASXL3-related condition. Identifiers: MedGen CN381524.
Bainbridge-Ropers syndrome. Also called: Severe feeding difficulties-failure to thrive-microcephaly due to ASXL3 deficiency syndrome. Identifiers: Orphanet 352577, MedGen C4750837, MONDO:0014205, OMIM 615485.

Allele frequency attached by ClinVar (database versions not stated): 1000 Genomes Project 30x 0.00187; gnomAD exomes 0.00638; ESP Exome Variant Server 0.00805; TOPMed 0.00558; 1000 Genomes Project 0.00200; ExAC 0.00665.
gnomAD v4.1: 13,177 of 1,613,956 alleles (0.82%); highest among the groups gnomAD compares: Non-Finnish European, 0.95%; 74 homozygotes.

Submissions (7):

CeGaT Center for Human Genetics Tuebingen
Classification: Benign. Last evaluated: 2026-07-01. Review status: criteria provided, single submitter. Criteria: CeGaT Center For Human Genetics Tuebingen Variant Classification Criteria Version 2. Collection method: clinical testing. Allele origin: germline. Affected: yes. Observed: 45 variant alleles.
Comment: ASXL3: BP4, BP7, BS1, BS2

Fulgent Genetics
Classification: Likely benign for Bainbridge-Ropers syndrome. Last evaluated: 2022-03-04. Review status: criteria provided, single submitter. Criteria: ACMG Guidelines, 2015. Collection method: clinical testing. Allele origin: unknown.

Genome-Nilou Lab
Classification: Benign for Bainbridge-Ropers syndrome. Last evaluated: 2021-12-05. Review status: criteria provided, single submitter. Criteria: ACMG Guidelines, 2015. Collection method: clinical testing. Allele origin: germline. Affected: no.

Genetic Services Laboratory, University of Chicago
Classification: Benign. Last evaluated: 2020-05-27. Review status: criteria provided, single submitter. Criteria: ACMG Guidelines, 2015. Collection method: clinical testing. Allele origin: germline. Affected: no.

GeneDx
Classification: Benign. Last evaluated: 2018-11-12. Review status: criteria provided, single submitter. Criteria: GeneDx Variant Classification (06012015). Collection method: clinical testing. Allele origin: germline. Affected: yes.

Breakthrough Genomics
Classification: Benign. Review status: criteria provided, single submitter. Criteria: ACMG Guidelines, 2015. Collection method: not provided. Allele origin: germline. Inheritance: Autosomal dominant inheritance. Affected: yes.

PreventionGenetics, part of Exact Sciences
Classification: Benign for ASXL3-related condition. Last evaluated: 2021-04-13. Review status: no assertion criteria provided. Collection method: clinical testing. Allele origin: germline. Not counted in ClinVar's aggregate classification.
Comment: This variant is classified as benign based on ACMG/AMP sequence variant interpretation guidelines (Richards et al. 2015 PMID: 25741868, with internal and published modifications).

NM_030632.3(ASXL3):c.3324T>G (p.Ala1108=)

Gene: ASXL3 (ASXL transcriptional regulator 3; plus strand). Cytogenetic location: 18q12.1.
Variant type: single nucleotide variant.
Coding change: c.3324T>G on transcript NM_030632.3 (MANE Select); coding-DNA position 3324, T replaced by G.
Protein change: p.Ala1108=; no amino-acid change (alanine 1108 retained).
Molecular consequence: synonymous variant.
Genome position (GRCh38, 1-based): chr18:33,743,172, T>G. VCF-style: chr18-33743172-T-G. GRCh37 (hg19) VCF-style: chr18-31323136-T-G.
Identifiers: ClinVar variation 1174209 (VCV001174209.37), dbSNP rs77617474, ClinGen allele CA8934067.